The following is an entry in ClinVar:

NM_001042492.3(NF1):c.3004C>G (p.Leu1002Val)

Gene: NF1 (neurofibromin 1; plus strand). Cytogenetic location: 17q11.2.
Variant type: single nucleotide variant.
Coding change: c.3004C>G on transcript NM_001042492.3 (MANE Select); coding-DNA position 3004, C replaced by G.
Protein change: p.Leu1002Val; replaces leucine 1002 with valine.
Molecular consequence: missense variant.
Genome position (GRCh38, 1-based): chr17:31,230,273, C>G. VCF-style: chr17-31230273-C-G. GRCh37 (hg19) VCF-style: chr17-29557291-C-G.
Other names: c.3004C>G, p.Leu1002Val (NM_000267.4); short protein forms L1002V.
Identifiers: ClinVar variation 1056949 (VCV001056949.7), dbSNP rs2151431496, ClinGen allele CA398986546.
Genomic context (GRCh38, chr17:31,230,273, plus strand): 5'-TTTTGTCTATATCTGATAATTTTTTTATTGTTTCTATGTCTATATAGGTATGTTCGTGTG[C>G]TTGGGAATATGGTCCATGCAATTCAAATAAAAACGAAACTGTGTCAATTAGTTGAAGTAA-3'
Protein context (NP_001035957.1, residues 992-1012): MLNLVRYVRV[Leu1002Val]GNMVHAIQIK

ClinVar aggregate classification (germline): Uncertain significance. Review status: criteria provided, multiple submitters, no conflicts (2 of 4 stars). 2 submissions from 2 submitters: Uncertain significance (2). Last evaluated 2026-07-06.

Conditions:
Cardiovascular phenotype. Identifiers: MedGen CN230736.
Hereditary cancer-predisposing syndrome. Also called: Tumor predisposition; Hereditary Cancer Syndrome; Hereditary neoplastic syndrome; Neoplastic Syndromes, Hereditary. Identifiers: Orphanet 140162, MedGen C0027672, MeSH D009386, MONDO:0015356.
Neurofibromatosis, type 1 (NF1). Also called: VON RECKLINGHAUSEN DISEASE; Peripheral type neurofibromatosis; Neurofibromatosis, type I; NEUROFIBROMATOSIS, TYPE I, SOMATIC. Identifiers: Orphanet 636, MedGen C0027831, MONDO:0018975, OMIM 162200. Disease mechanism: loss of function.

Submissions (2):

Ambry Genetics
Classification: Uncertain significance for Cardiovascular phenotype; Hereditary cancer-predisposing syndrome. Last evaluated: 2026-07-06. Review status: criteria provided, single submitter. Criteria: Ambry Variant Classification Scheme 2023. Collection method: clinical testing. Allele origin: germline.
Comment: The p.L1002V variant (also known as c.3004C>G), located in coding exon 23 of the NF1 gene, results from a C to G substitution at nucleotide position 3004. The leucine at codon 1002 is replaced by valine, an amino acid with highly similar properties. This amino acid position is conserved. In addition, this alteration is predicted to be tolerated by in silico analysis. Based on the available evidence, the clinical significance of this variant remains unclear.

Labcorp Genetics (formerly Invitae), Labcorp
Classification: Uncertain significance for Neurofibromatosis, type 1. Last evaluated: 2020-07-15. Review status: criteria provided, single submitter. Criteria: Invitae Variant Classification Sherloc (09022015). Collection method: clinical testing. Allele origin: germline.
Comment: In summary, the available evidence is currently insufficient to determine the role of this variant in disease. Therefore, it has been classified as a Variant of Uncertain Significance. Algorithms developed to predict the effect of missense changes on protein structure and function are either unavailable or do not agree on the potential impact of this missense change (SIFT: "Deleterious"; PolyPhen-2: "Benign"; Align-GVGD: "Class C0"). This variant has not been reported in the literature in individuals with NF1-related conditions. This variant is not present in population databases (ExAC no frequency). This sequence change replaces leucine with valine at codon 1002 of the NF1 protein (p.Leu1002Val). The leucine residue is moderately conserved and there is a small physicochemical difference between leucine and valine.